The following is an entry in ClinVar:

NM_001875.5(CPS1):c.1147G>T (p.Gly383Trp)

Gene: CPS1 (carbamoyl-phosphate synthase 1; plus strand). Cytogenetic location: 2q34.
Variant type: single nucleotide variant.
Coding change: c.1147G>T on transcript NM_001875.5 (MANE Select); coding-DNA position 1147, G replaced by T.
Protein change: p.Gly383Trp; replaces glycine 383 with tryptophan.
Molecular consequence: missense variant. On other transcripts: non-coding transcript variant (1).
Genome position (GRCh38, 1-based): chr2:210,592,939, G>T. VCF-style: chr2-210592939-G-T. GRCh37 (hg19) VCF-style: chr2-211457663-G-T.
Other names: c.1147G>T, p.Gly383Trp (NM_001122633.3, NM_001369257.1); c.1180G>T, p.Gly394Trp (NM_001369256.1); short protein forms G383W, G394W.
Identifiers: ClinVar variation 3907345 (VCV003907345.1).

ClinVar aggregate classification (germline): Uncertain significance (1 of 4 stars; one submission).

gnomAD v4.1: 4 of 1,612,238 alleles (0.00025%); highest among the groups gnomAD compares: Non-Finnish European, 0.00034%; no homozygotes.

Submission:

Women's Health and Genetics/Laboratory Corporation of America, LabCorp
Classification: Uncertain significance. Last evaluated: 2025-06-05. Review status: criteria provided, single submitter. Criteria: LabCorp Variant Classification Summary - May 2015. Collection method: clinical testing. Allele origin: germline.
Comment: Variant summary: CPS1 c.1147G>T (p.Gly383Trp) results in a non-conservative amino acid change in the encoded protein sequence. Algorithms developed to predict the effect of missense changes on protein structure and function all suggest that this variant is likely to be disruptive. The variant was absent in 250850 control chromosomes (gnomAD). The available data on variant occurrences in the general population are insufficient to allow any conclusion about variant significance. c.1147G>T has been observed in an individual affected with Carbamoylphosphate Synthetase I Deficiency (Isler_2020). These data do not allow any conclusion about variant significance. To our knowledge, no experimental evidence demonstrating an impact on protein function has been reported. The following publication has been ascertained in the context of this evaluation (PMID: 32154057). No submitters have cited clinical-significance assessments for this variant to ClinVar. Based on the evidence outlined above, the variant was classified as uncertain significance.

Literature cited by the submitters: PubMed 32154057.